The following is an entry in ClinVar:

ClinVar aggregate classification (germline): Uncertain significance (1 of 4 stars; one submission).

Conditions:
Hereditary cancer-predisposing syndrome. Also called: Tumor predisposition; Hereditary neoplastic syndrome; Hereditary Cancer Syndrome; Neoplastic Syndromes, Hereditary. Identifiers: Orphanet 140162, MedGen C0027672, MeSH D009386, MONDO:0015356.

gnomAD v4.1: 1 of 1,607,542 alleles (0.000062%); no homozygotes.

Submission:

Ambry Genetics
Classification: Uncertain significance for Hereditary cancer-predisposing syndrome. Last evaluated: 2023-10-12. Review status: criteria provided, single submitter. Criteria: Ambry Variant Classification Scheme 2023. Collection method: clinical testing. Allele origin: germline.
Comment: The p.D819E variant (also known as c.2457C>A), located in coding exon 19 of the POLD1 gene, results from a C to A substitution at nucleotide position 2457. The aspartic acid at codon 819 is replaced by glutamic acid, an amino acid with highly similar properties. This amino acid position is conserved. In addition, this alteration is predicted to be tolerated by in silico analysis. Since supporting evidence is limited at this time, the clinical significance of this alteration remains unclear.

NM_002691.4(POLD1):c.2457C>A (p.Asp819Glu)

Gene: POLD1 (DNA polymerase delta 1, catalytic subunit; plus strand). Cytogenetic location: 19q13.33.
Variant type: single nucleotide variant.
Coding change: c.2457C>A on transcript NM_002691.4 (MANE Select); coding-DNA position 2457, C replaced by A.
Protein change: p.Asp819Glu; replaces aspartic acid 819 with glutamic acid.
Molecular consequence: missense variant. On other transcripts: non-coding transcript variant (1).
Genome position (GRCh38, 1-based): chr19:50,414,883, C>A. VCF-style: chr19-50414883-C-A. GRCh37 (hg19) VCF-style: chr19-50918140-C-A.
Other names: c.2457C>A, p.Asp819Glu (NM_001256849.1); c.2535C>A, p.Asp845Glu (NM_001308632.1); short protein forms D819E, D845E.
Identifiers: ClinVar variation 3222722 (VCV003222722.1), dbSNP rs777433056, ClinGen allele CA406984790.